The following is an entry in ClinVar:

ClinVar aggregate classification (germline): Uncertain significance. Review status: criteria provided, multiple submitters, no conflicts (2 of 4 stars). 2 submissions from 2 submitters: Uncertain significance (2). Last evaluated 2025-07-07.

Conditions:
Myopathy, proximal, and ophthalmoplegia (CMYO6). Also called: INCLUSION BODY MYOPATHY 3, AUTOSOMAL DOMINANT; CONGENITAL MYOPATHY 6 WITH OPHTHALMOPLEGIA; MYOPATHY WITH CONGENITAL JOINT CONTRACTURES, OPHTHALMOPLEGIA, AND RIMMED VACUOLES. Identifiers: Orphanet 363677, Orphanet 79091, MedGen C1854106, MONDO:0011577, OMIM 605637.

Allele frequency attached by ClinVar (database versions not stated): gnomAD exomes below 0.00001; TOPMed 0.00001.
gnomAD v4.1: 2 of 1,612,806 alleles (0.00012%); highest among the groups gnomAD compares: Admixed American, 0.0017%; no homozygotes.

Submissions (2):

Labcorp Genetics (formerly Invitae), Labcorp
Classification: Uncertain significance for Myopathy, proximal, and ophthalmoplegia. Last evaluated: 2025-07-07. Review status: criteria provided, single submitter. Criteria: Invitae Variant Classification Sherloc (09022015). Collection method: clinical testing. Allele origin: germline.
Comment: This sequence change falls in intron 35 of the MYH2 gene. It does not directly change the encoded amino acid sequence of the MYH2 protein. This variant is not present in population databases (gnomAD no frequency). This variant has not been reported in the literature in individuals affected with MYH2-related conditions. ClinVar contains an entry for this variant (Variation ID: 850240). Algorithms developed to predict the effect of sequence changes on RNA splicing suggest that this variant may create or strengthen a splice site. In summary, the available evidence is currently insufficient to determine the role of this variant in disease. Therefore, it has been classified as a Variant of Uncertain Significance.

GeneDx
Classification: Uncertain significance. Last evaluated: 2024-06-07. Review status: criteria provided, single submitter. Criteria: GeneDx Variant Classification Process June 2021. Collection method: clinical testing. Allele origin: germline. Affected: yes.
Comment: Not observed at significant frequency in large population cohorts (gnomAD); Has not been previously published as pathogenic or benign to our knowledge; In silico analysis supports a deleterious effect on splicing

NM_017534.6(MYH2):c.5176-4A>G

Genes: MYHAS (myosin heavy chain gene cluster antisense RNA; plus strand), MYH2 (myosin heavy chain 2; minus strand). Cytogenetic location: 17p13.1.
Variant type: single nucleotide variant.
Coding change: c.5176-4A>G on transcript NM_017534.6 (MANE Select); 4 bases into the intron before coding-DNA position 5176, A replaced by G.
Molecular consequence: intron variant.
Genome position (GRCh38, 1-based): chr17:10,523,888, T>C on the plus strand (A>G on the coding strand, the complement: MYH2 is on the minus strand). VCF-style: chr17-10523888-T-C. GRCh37 (hg19) VCF-style: chr17-10427205-T-C.
Other names: c.5176-4A>G (NM_001100112.2).
Identifiers: ClinVar variation 850240 (VCV000850240.8), dbSNP rs879251009, ClinGen allele CA916083531.